The following is an entry in ClinVar:

NM_007294.4(BRCA1):c.5089T>G (p.Cys1697Gly)

Gene: BRCA1 (BRCA1 DNA repair associated; minus strand). Cytogenetic location: 17q21.31.
Variant type: single nucleotide variant.
Coding change: c.5089T>G on transcript NM_007294.4 (MANE Select); coding-DNA position 5089, T replaced by G.
Protein change: p.Cys1697Gly; replaces cysteine 1697 with glycine.
Molecular consequence: missense variant. On other transcripts: non-coding transcript variant (1).
Genome position (GRCh38, 1-based): chr17:43,063,937, A>C on the plus strand (T>G on the coding strand, the complement: BRCA1 is on the minus strand). VCF-style: chr17-43063937-A-C. GRCh37 (hg19) VCF-style: chr17-41215954-A-C.
Other names: c.4876T>G, p.Cys1626Gly (NM_001407571.1, NM_001407906.1, NM_001407907.1 and 12 more transcripts); c.5155T>G, p.Cys1719Gly (NM_001407581.1, NM_001407582.1); c.5152T>G, p.Cys1718Gly (NM_001407583.1, NM_001407585.1, NM_001407587.1 and 1 more transcripts); c.5149T>G, p.Cys1717Gly (NM_001407590.1, NM_001407591.1); c.5089T>G, p.Cys1697Gly (NM_001407593.1, NM_001407594.1, NM_001407596.1 and 7 more transcripts); c.5086T>G, p.Cys1696Gly (NM_001407610.1, NM_001407611.1, NM_001407612.1 and 17 more transcripts); c.5083T>G, p.Cys1695Gly (NM_001407630.1, NM_001407631.1, NM_001407632.1 and 14 more transcripts); c.5011T>G, p.Cys1671Gly (NM_001407653.1, NM_001407654.1, NM_001407655.1); and 71 more; short protein forms C1718G, C1650G, C1697G, C593G, C1401G, C1568G, C1585G, C1609G.
Identifiers: ClinVar variation 867629 (VCV000867629.7), dbSNP rs80356993, ClinGen allele CA10591347.

ClinVar aggregate classification (germline): Conflicting classifications of pathogenicity. Review status: criteria provided, conflicting classifications (1 of 4 stars). 2 submissions from 2 submitters: Uncertain significance (1); Likely benign (1). Last evaluated 2025-05-27.

Conditions:
Hereditary cancer-predisposing syndrome. Also called: Neoplastic Syndromes, Hereditary; Tumor predisposition; Hereditary Cancer Syndrome; Hereditary neoplastic syndrome. Identifiers: Orphanet 140162, MedGen C0027672, MeSH D009386, MONDO:0015356.
Hereditary breast ovarian cancer syndrome. Also called: Hereditary breast and ovarian cancer; Hereditary breast and ovarian cancer syndrome (HBOC); Breast and ovarian cancer; Hereditary breast and/or ovarian cancer syndrome; BRCA1- and BRCA2-Associated Hereditary Breast and Ovarian Cancer; Hereditary breast and ovarian cancer syndrome. Identifiers: Orphanet 145, MedGen C0677776, MeSH D061325, MONDO:0003582. Disease mechanism: loss of function.

Submissions (3):

Labcorp Genetics (formerly Invitae), Labcorp
Classification: Uncertain significance for Hereditary breast ovarian cancer syndrome. Last evaluated: 2025-05-27. Review status: criteria provided, single submitter. Criteria: Invitae Variant Classification Sherloc (09022015). Collection method: clinical testing. Allele origin: germline.
Comment: This sequence change replaces cysteine, which is neutral and slightly polar, with glycine, which is neutral and non-polar, at codon 1697 of the BRCA1 protein (p.Cys1697Gly). This variant is not present in population databases (gnomAD no frequency). This variant has not been reported in the literature in individuals affected with BRCA1-related conditions. ClinVar contains an entry for this variant (Variation ID: 867629). Invitae Evidence Modeling incorporating data from in vitro experimental studies (PMID: 30209399) indicates that this missense variant is not expected to disrupt BRCA1 function with a negative predictive value of 95%. In summary, the available evidence is currently insufficient to determine the role of this variant in disease. Therefore, it has been classified as a Variant of Uncertain Significance.

Ambry Genetics
Classification: Likely benign for Hereditary cancer-predisposing syndrome. Last evaluated: 2022-03-08. Review status: criteria provided, single submitter. Criteria: Ambry Variant Classification Scheme 2023. Collection method: clinical testing. Allele origin: germline.

Brotman Baty Institute, University of Washington
No classification provided (evidence only). Condition: Breast-ovarian cancer, familial 1. Review status: no classification provided. Collection method: in vitro. Allele origin: not applicable. Functional consequence: functionally_normal. Not counted in ClinVar's aggregate classification.
ClinVar note: "not provided" was previously submitted as the classification for the variant. However, the classification appeared to be based only on an observation of functional data so it was converted to no classification on 2025-07-30.

Literature cited by the submitters: PubMed 30209399 (cited by Labcorp Genetics (formerly Invitae), Labcorp).